The following is an entry in ClinVar:

NM_024426.6(WT1):c.564T>A (p.Pro188=)

Genes: WT1 (WT1 transcription factor; minus strand), LOC107982234 (WT1/WT1-AS bi-directional promoter region; plus strand). Cytogenetic location: 11p13.
Variant type: single nucleotide variant.
Coding change: c.564T>A on transcript NM_024426.6 (MANE Select); coding-DNA position 564, T replaced by A.
Protein change: p.Pro188=; no amino-acid change (proline 188 retained).
Molecular consequence: synonymous variant. On other transcripts: non-coding transcript variant (1).
Genome position (GRCh38, 1-based): chr11:32,434,797, A>T on the plus strand (T>A on the coding strand, the complement: WT1 is on the minus strand). VCF-style: chr11-32434797-A-T. GRCh37 (hg19) VCF-style: chr11-32456343-A-T.
Other names: c.564T>A, p.Pro188= (NM_000378.6, NM_024424.5).
Identifiers: ClinVar variation 414074 (VCV000414074.14), dbSNP rs1060504178, ClinGen allele CA16613323.

ClinVar aggregate classification (germline): Likely benign. Review status: criteria provided, multiple submitters, no conflicts (2 of 4 stars). 3 submissions from 3 submitters: Likely benign (3). Last evaluated 2025-05-21.

Conditions:
Wilms tumor 1 (WT1). Also called: Wilms tumor, somatic. Identifiers: Orphanet 654, MedGen CN033288, MONDO:0008679, OMIM 194070.
Frasier syndrome. Identifiers: Orphanet 347, MedGen C0950122, MeSH D052159, MONDO:0007635, OMIM 136680.
Drash syndrome (DDS). Also called: NEPHROPATHY, WILMS TUMOR, AND GENITAL ANOMALIES; WILMS TUMOR AND PSEUDO- OR TRUE HERMAPHRODITISM. Identifiers: Orphanet 220, MedGen C0950121, MONDO:0008682, OMIM 194080.
11p partial monosomy syndrome (WAGR). Also called: WAGR Spectrum Disorder; CHROMOSOME 11p13 DELETION SYNDROME; WAGR syndrome; WAGR Complex. Identifiers: Orphanet 893, MedGen C0206115, MONDO:0008681, OMIM 194072.
Inborn genetic diseases. Identifiers: MedGen C0950123, MeSH D030342.

Allele frequency attached by ClinVar (database versions not stated): TOPMed below 0.00001.

Submissions (3):

Ambry Genetics
Classification: Likely benign for Inborn genetic diseases. Last evaluated: 2025-05-21. Review status: criteria provided, single submitter. Criteria: Ambry Variant Classification Scheme 2023. Collection method: clinical testing. Allele origin: germline.

All of Us Research Program, National Institutes of Health
Classification: Likely benign for Wilms tumor 1. Last evaluated: 2023-11-20. Review status: criteria provided, single submitter. Criteria: ACMG Guidelines, 2015. Collection method: clinical testing. Allele origin: germline. Inheritance: Autosomal dominant inheritance. Observed: 1 variant allele, 1 heterozygote.
Comment: This study involves interpretation of variants in research participants for the purpose of population health screening. Participant phenotype was not available at the time of variant classification. Additional details can be found in publication PMID: 35346344, PMCID: PMC8962531

Labcorp Genetics (formerly Invitae), Labcorp
Classification: Likely benign for Wilms tumor 1; Drash syndrome; 11p partial monosomy syndrome; Frasier syndrome. Last evaluated: 2023-07-03. Review status: criteria provided, single submitter. Criteria: Invitae Variant Classification Sherloc (09022015). Collection method: clinical testing. Allele origin: germline.